The following is an entry in ClinVar:

ClinVar aggregate classification (germline): Uncertain significance (1 of 4 stars; one submission).

Conditions:
Inborn genetic diseases. Identifiers: MedGen C0950123, MeSH D030342.

Submission:

Ambry Genetics
Classification: Uncertain significance for Inborn genetic diseases. Last evaluated: 2024-07-02. Review status: criteria provided, single submitter. Criteria: Ambry Variant Classification Scheme 2023. Collection method: clinical testing. Allele origin: germline.
Comment: The p.C578S variant (also known as c.1733G>C), located in coding exon 14 of the BUB1B gene, results from a G to C substitution at nucleotide position 1733. The cysteine at codon 578 is replaced by serine, an amino acid with dissimilar properties. This amino acid position is conserved. In addition, this alteration is predicted to be tolerated by in silico analysis. Based on the available evidence, the clinical significance of this variant remains unclear.

NM_001211.6(BUB1B):c.1733G>C (p.Cys578Ser)

Gene: BUB1B (BUB1 mitotic checkpoint serine/threonine kinase B; plus strand). Cytogenetic location: 15q15.1.
Variant type: single nucleotide variant.
Coding change: c.1733G>C on transcript NM_001211.6 (MANE Select); coding-DNA position 1733, G replaced by C.
Protein change: p.Cys578Ser; replaces cysteine 578 with serine.
Molecular consequence: missense variant.
Genome position (GRCh38, 1-based): chr15:40,202,693, G>C. VCF-style: chr15-40202693-G-C. GRCh37 (hg19) VCF-style: chr15-40494894-G-C.
Other names: short protein forms C578S.
Identifiers: ClinVar variation 3483129 (VCV003483129.1).